The following is an entry in ClinVar:

NM_013266.4(CTNNA3):c.2688A>G (p.Ter896Trp)

Gene: CTNNA3 (catenin alpha 3; minus strand). Cytogenetic location: 10q21.3.
Variant type: single nucleotide variant.
Coding change: c.2688A>G on transcript NM_013266.4 (MANE Select); coding-DNA position 2688, A replaced by G.
Protein change: p.Ter896Trp.
Molecular consequence: stop lost.
Genome position (GRCh38, 1-based): chr10:65,920,330, T>C on the plus strand (A>G on the coding strand, the complement: CTNNA3 is on the minus strand). VCF-style: chr10-65920330-T-C. GRCh37 (hg19) VCF-style: chr10-67680088-T-C.
Other names: c.2688A>G, p.Ter896Trp (NM_001127384.3).
Identifiers: ClinVar variation 1511042 (VCV001511042.6), dbSNP rs2133105135, ClinGen allele CA377088572.

ClinVar aggregate classification (germline): Uncertain significance (1 of 4 stars; one submission).

Conditions:
Arrhythmogenic right ventricular dysplasia 13. Also called: Arrhythmogenic right ventricular dysplasia, familial, 13; ARRHYTHMOGENIC RIGHT VENTRICULAR CARDIOMYOPATHY 13. Identifiers: MedGen C3810138, MONDO:0000908, OMIM 615616.

Submission:

Labcorp Genetics (formerly Invitae), Labcorp
Classification: Uncertain significance for Arrhythmogenic right ventricular dysplasia 13. Last evaluated: 2022-11-22. Review status: criteria provided, single submitter. Criteria: Invitae Variant Classification Sherloc (09022015). Collection method: clinical testing. Allele origin: germline.
Comment: This variant is not present in population databases (gnomAD no frequency). In summary, the available evidence is currently insufficient to determine the role of this variant in disease. Therefore, it has been classified as a Variant of Uncertain Significance. Experimental studies and prediction algorithms are not available or were not evaluated, and the functional significance of this variant is currently unknown. ClinVar contains an entry for this variant (Variation ID: 1511042). This variant has not been reported in the literature in individuals affected with CTNNA3-related conditions. This sequence change disrupts the translational stop signal of the CTNNA3 mRNA. It is expected to extend the length of the CTNNA3 protein by 39 additional amino acid residues.